The following is an entry in ClinVar:

NM_006859.4(LIAS):c.616A>G (p.Lys206Glu)

Gene: LIAS (lipoic acid synthetase; plus strand). Cytogenetic location: 4p14.
Variant type: single nucleotide variant.
Coding change: c.616A>G on transcript NM_006859.4 (MANE Select); coding-DNA position 616, A replaced by G.
Protein change: p.Lys206Glu; replaces lysine 206 with glutamic acid.
Molecular consequence: missense variant. On other transcripts: intron variant (1).
Genome position (GRCh38, 1-based): chr4:39,467,525, A>G. VCF-style: chr4-39467525-A-G. GRCh37 (hg19) VCF-style: chr4-39469145-A-G.
Other names: c.307A>G, p.Lys103Glu (NM_001363700.2); c.616A>G, p.Lys206Glu (NM_194451.3); c.608+2183A>G (NM_001278590.2); short protein forms K206E, K103E.
Identifiers: ClinVar variation 959459 (VCV000959459.7), dbSNP rs1328126199, ClinGen allele CA356664848.

ClinVar aggregate classification (germline): Uncertain significance (1 of 4 stars; one submission).

Conditions:
Lipoic acid synthetase deficiency. Also called: HYPERGLYCINEMIA, LACTIC ACIDOSIS, AND SEIZURES. Identifiers: Orphanet 401859, MedGen C3280887, MONDO:0013762, OMIM 614462.

Allele frequency attached by ClinVar (database versions not stated): gnomAD exomes below 0.00001 and 0.00002; TOPMed 0.00001; gnomAD 0.00002 and 0.00003.
gnomAD v4.1: 25 of 1,589,836 alleles (0.0016%); highest among the groups gnomAD compares: East Asian, 0.0023%; no homozygotes.

Submission:

Labcorp Genetics (formerly Invitae), Labcorp
Classification: Uncertain significance for Lipoic acid synthetase deficiency. Last evaluated: 2022-08-31. Review status: criteria provided, single submitter. Criteria: Invitae Variant Classification Sherloc (09022015). Collection method: clinical testing. Allele origin: germline.
Comment: This sequence change replaces lysine, which is basic and polar, with glutamic acid, which is acidic and polar, at codon 206 of the LIAS protein (p.Lys206Glu). This variant is present in population databases (no rsID available, gnomAD 0.01%). This variant has not been reported in the literature in individuals affected with LIAS-related conditions. ClinVar contains an entry for this variant (Variation ID: 959459). Algorithms developed to predict the effect of missense changes on protein structure and function output the following: SIFT: "Tolerated"; PolyPhen-2: "Benign"; Align-GVGD: "Class C0". The glutamic acid amino acid residue is found in multiple mammalian species, which suggests that this missense change does not adversely affect protein function. In summary, the available evidence is currently insufficient to determine the role of this variant in disease. Therefore, it has been classified as a Variant of Uncertain Significance.